The following is an entry in ClinVar:

NM_000306.4(POU1F1):c.142+1G>T

Gene: POU1F1 (POU class 1 homeobox 1; minus strand). Cytogenetic location: 3p11.2.
Variant type: single nucleotide variant.
Coding change: c.142+1G>T on transcript NM_000306.4 (MANE Select); the canonical splice donor site of the intron after coding-DNA position 142, G replaced by T.
Molecular consequence: splice donor variant.
Genome position (GRCh38, 1-based): chr3:87,276,320, C>A on the plus strand (G>T on the coding strand, the complement: POU1F1 is on the minus strand). VCF-style: chr3-87276320-C-A. GRCh37 (hg19) VCF-style: chr3-87325470-C-A.
Other names: c.142+1G>T (NM_001122757.3).
Identifiers: ClinVar variation 2959539 (VCV002959539.3), dbSNP rs768155224, ClinGen allele CA2501300.

ClinVar aggregate classification (germline): Likely pathogenic (1 of 4 stars; one submission).

Allele frequency attached by ClinVar (database versions not stated): ExAC 0.00001; gnomAD exomes 0.00003.

Submission:

Labcorp Genetics (formerly Invitae), Labcorp
Classification: Likely pathogenic. Last evaluated: 2023-08-24. Review status: criteria provided, single submitter. Criteria: Invitae Variant Classification Sherloc (09022015). Collection method: clinical testing. Allele origin: germline.
Comment: In summary, the currently available evidence indicates that the variant is pathogenic, but additional data are needed to prove that conclusively. Therefore, this variant has been classified as Likely Pathogenic. Algorithms developed to predict the effect of sequence changes on RNA splicing suggest that this variant may disrupt the consensus splice site. This variant has not been reported in the literature in individuals affected with POU1F1-related conditions. This variant is present in population databases (rs768155224, gnomAD 0.003%). This sequence change affects a donor splice site in intron 1 of the POU1F1 gene. It is expected to disrupt RNA splicing. Variants that disrupt the donor or acceptor splice site typically lead to a loss of protein function (PMID: 16199547), and loss-of-function variants in POU1F1 are known to be pathogenic (PMID: 1472057, 9392392, 15844473, 15928241).

Literature cited by the submitters: PubMed 16199547; PubMed 1472057; PubMed 9392392; PubMed 15844473; PubMed 15928241.